The following is an entry in ClinVar:

NM_001197104.2(KMT2A):c.5005-3T>C

Gene: KMT2A (lysine methyltransferase 2A; plus strand). Cytogenetic location: 11q23.3.
Variant type: single nucleotide variant.
Coding change: c.5005-3T>C on transcript NM_001197104.2 (MANE Select); 3 bases into the intron before coding-DNA position 5005, T replaced by C.
Molecular consequence: intron variant.
Genome position (GRCh38, 1-based): chr11:118,493,054, T>C. VCF-style: chr11-118493054-T-C. GRCh37 (hg19) VCF-style: chr11-118363769-T-C.
Other names: c.4996-3T>C (NM_005933.4).
Identifiers: ClinVar variation 1805965 (VCV001805965.1), dbSNP rs781904699, ClinGen allele CA6304001.
Genomic context (GRCh38, chr11:118,493,054, plus strand): 5'-GAATTTACATGGACACCTTGGTTTTAGTGTTAGATAAAAGCAACATATCTTTCCTGGCAA[T>C]AGGCTGCCAAGCCTCCAGACTTAAATCCCGAGACAGAGGAGAGTATACCTTCCCGCAGCT-3'

ClinVar aggregate classification (germline): Uncertain significance (1 of 4 stars; one submission).

Conditions:
Wiedemann-Steiner syndrome (WDSTS). Also called: Growth deficiency and mental retardation with facial dysmorphism. Identifiers: Orphanet 319182, MedGen C1854630, MONDO:0011518, OMIM 605130.

Allele frequency attached by ClinVar (database versions not stated): gnomAD exomes below 0.00001; ExAC 0.00001.
gnomAD v4.1: 2 of 1,611,964 alleles (0.00012%); highest among the groups gnomAD compares: East Asian, 0.0022%; no homozygotes.

Submission:

Victorian Clinical Genetics Services, Murdoch Childrens Research Institute
Classification: Uncertain significance for Wiedemann-Steiner syndrome. Last evaluated: 2022-09-02. Review status: criteria provided, single submitter. Criteria: ACMG Guidelines, 2015. Collection method: clinical testing. Allele origin: germline. Inheritance: Autosomal dominant inheritance. Affected: yes.
Comment: Based on the classification scheme VCGS_Germline_v1.3.4, this variant is classified as VUS-3C. Following criteria are met: 0102 - Loss of function is a known mechanism of disease in this gene and is associated with Wiedemann-Steiner syndrome (MIM#605130). (I) 0107 - This gene is associated with autosomal dominant disease. (I) 0212 - Non-canonical splice site variant without proven consequence on splicing (no functional evidence available). (SP) 0251 - This variant is heterozygous. (I) 0301 - Variant is absent from gnomAD (both v2 and v3). (SP) 0506 - Abnormal splicing is not predicted and nucleotide is poorly conserved. (SB) 0705 - No comparable non-canonical splice site variants have previous evidence for pathogenicity. (I) 0807 - This variant has no previous evidence of pathogenicity. (I) 0905 - No published segregation evidence has been identified for this variant. (I) 1007 - No published functional evidence has been identified for this variant. (I) 1208 - Inheritance information for this variant is not currently available in this individual. (I) Legend: (SP) - Supporting pathogenic, (I) - Information, (SB) - Supporting benign